The following is an entry in ClinVar:

ClinVar aggregate classification (germline): Uncertain significance. Review status: criteria provided, multiple submitters, no conflicts (2 of 4 stars). 5 submissions from 5 submitters: Uncertain significance (5). Last evaluated 2024-02-05.

Conditions:
Fanconi anemia complementation group I (FANCI). Also called: FANCI-Related Fanconi Anemia. Identifiers: Orphanet 84, MedGen C1836861, MONDO:0012186, OMIM 609053.
Fanconi anemia (FA). Also called: Fanconi's anemia. Identifiers: Orphanet 84, MedGen C0015625, MeSH D005199, MONDO:0019391.

Allele frequency attached by ClinVar (database versions not stated): TOPMed 0.00002; gnomAD 0.00003 and 0.00006; gnomAD exomes 0.00014; ExAC 0.00017.
gnomAD v4.1: 181 of 1,552,166 alleles (0.012%); highest among the groups gnomAD compares: South Asian, 0.11%; no homozygotes.

Submissions (5):

Blueprint Genetics
Classification: Uncertain significance. Last evaluated: 2024-02-05. Review status: criteria provided, single submitter. Criteria: ACMG Guidelines, 2015. Collection method: clinical testing. Allele origin: germline.

Labcorp Genetics (formerly Invitae), Labcorp
Classification: Uncertain significance for Fanconi anemia. Last evaluated: 2022-07-12. Review status: criteria provided, single submitter. Criteria: Invitae Variant Classification Sherloc (09022015). Collection method: clinical testing. Allele origin: germline.
Comment: This sequence change replaces arginine, which is basic and polar, with histidine, which is basic and polar, at codon 840 of the FANCI protein (p.Arg840His). This variant is present in population databases (rs777483611, gnomAD 0.08%). This variant has not been reported in the literature in individuals affected with FANCI-related conditions. ClinVar contains an entry for this variant (Variation ID: 317286). Algorithms developed to predict the effect of missense changes on protein structure and function output the following: SIFT: "Tolerated"; PolyPhen-2: "Benign"; Align-GVGD: "Class C0". The histidine amino acid residue is found in multiple mammalian species, which suggests that this missense change does not adversely affect protein function. In summary, the available evidence is currently insufficient to determine the role of this variant in disease. Therefore, it has been classified as a Variant of Uncertain Significance.

Fulgent Genetics
Classification: Uncertain significance for Fanconi anemia complementation group I. Last evaluated: 2021-07-13. Review status: criteria provided, single submitter. Criteria: ACMG Guidelines, 2015. Collection method: clinical testing. Allele origin: unknown.

Genetic Services Laboratory, University of Chicago
Classification: Uncertain significance. Last evaluated: 2018-04-17. Review status: criteria provided, single submitter. Criteria: ACMG Guidelines, 2015. Collection method: clinical testing. Allele origin: germline. Affected: no.

Illumina Laboratory Services, Illumina
Classification: Uncertain significance for Fanconi anemia complementation group I. Last evaluated: 2018-01-13. Review status: criteria provided, single submitter. Criteria: ICSL Variant Classification Criteria 13 December 2019. Collection method: clinical testing. Allele origin: germline.

NM_001113378.2(FANCI):c.2519G>A (p.Arg840His)

Gene: FANCI (FA complementation group I; plus strand). Cytogenetic location: 15q26.1.
Variant type: single nucleotide variant.
Coding change: c.2519G>A on transcript NM_001113378.2 (MANE Select); coding-DNA position 2519, G replaced by A.
Protein change: p.Arg840His; replaces arginine 840 with histidine.
Molecular consequence: missense variant. On other transcripts: intron variant (1).
Genome position (GRCh38, 1-based): chr15:89,294,977, G>A. VCF-style: chr15-89294977-G-A. GRCh37 (hg19) VCF-style: chr15-89838208-G-A.
Other names: c.2240G>A, p.Arg747His (NM_001376910.1); c.2519G>A, p.Arg840His (NM_001376911.1); c.2456+980G>A (NM_018193.3); short protein forms R840H, R747H.
Identifiers: ClinVar variation 317286 (VCV000317286.15), dbSNP rs777483611, ClinGen allele CA7723403.